The following is an entry in ClinVar:

NM_000498.3(CYP11B2):c.1349G>A (p.Cys450Tyr)

Genes: CYP11B2 (cytochrome P450 family 11 subfamily B member 2; minus strand), LOC106799834 (CYP11B2 recombination region; plus strand). Cytogenetic location: 8q24.3.
Variant type: single nucleotide variant.
Coding change: c.1349G>A on transcript NM_000498.3 (MANE Select); coding-DNA position 1349, G replaced by A.
Protein change: p.Cys450Tyr; replaces cysteine 450 with tyrosine.
Molecular consequence: missense variant.
Genome position (GRCh38, 1-based): chr8:142,912,579, C>T on the plus strand (G>A on the coding strand, the complement: CYP11B2 is on the minus strand). VCF-style: chr8-142912579-C-T. GRCh37 (hg19) VCF-style: chr8-143993995-C-T.
Other names: short protein forms C450Y.
Identifiers: ClinVar variation 3067734 (VCV003067734.21), dbSNP rs2488698197, ClinGen allele CA372386134.

ClinVar aggregate classification (germline): Likely pathogenic (1 of 4 stars; one submission).

Allele frequency attached by ClinVar (database versions not stated): gnomAD exomes below 0.00001.
gnomAD v4.1: 1 of 1,614,154 alleles (0.000062%); no homozygotes.

Submission:

CeGaT Center for Human Genetics Tuebingen
Classification: Likely pathogenic. Last evaluated: 2024-04-01. Review status: criteria provided, single submitter. Criteria: CeGaT Center For Human Genetics Tuebingen Variant Classification Criteria Version 2. Collection method: clinical testing. Allele origin: germline. Affected: yes. Observed: 1 variant allele.
Comment: CYP11B2: PM2, PM3, PP4:Moderate, PP3